The following is an entry in ClinVar:

ClinVar aggregate classification (germline): Uncertain significance. Review status: criteria provided, multiple submitters, no conflicts (2 of 4 stars). 2 submissions from 2 submitters: Uncertain significance (2). Last evaluated 2021-08-31.

Conditions:
Osteogenesis imperfecta type 11. Also called: OI, TYPE XI; Osteogenesis imperfecta, type XI. Identifiers: Orphanet 666, MedGen C3151218, MONDO:0012592, OMIM 610968.

Allele frequency attached by ClinVar (database versions not stated): gnomAD 0.00001 and 0.00002; ExAC 0.00002; gnomAD exomes 0.00002; TOPMed 0.00002; ESP Exome Variant Server 0.00008; 1000 Genomes Project 30x 0.00016; 1000 Genomes Project 0.00020.
gnomAD v4.1: 87 of 1,613,904 alleles (0.0054%); highest among the groups gnomAD compares: Non-Finnish European, 0.0072%; no homozygotes.

Submissions (2):

Labcorp Genetics (formerly Invitae), Labcorp
Classification: Uncertain significance. Last evaluated: 2021-08-31. Review status: criteria provided, single submitter. Criteria: Invitae Variant Classification Sherloc (09022015). Collection method: clinical testing. Allele origin: germline.
Comment: This sequence change replaces methionine with threonine at codon 538 of the FKBP10 protein (p.Met538Thr). The methionine residue is moderately conserved and there is a moderate physicochemical difference between methionine and threonine. This variant is present in population databases (rs144237565, ExAC 0.003%). This variant has not been reported in the literature in individuals affected with FKBP10-related conditions. ClinVar contains an entry for this variant (Variation ID: 323194). Algorithms developed to predict the effect of missense changes on protein structure and function (SIFT, PolyPhen-2, Align-GVGD) all suggest that this variant is likely to be tolerated. In summary, the available evidence is currently insufficient to determine the role of this variant in disease. Therefore, it has been classified as a Variant of Uncertain Significance.

Illumina Laboratory Services, Illumina
Classification: Uncertain significance for Osteogenesis imperfecta type 11. Last evaluated: 2018-01-13. Review status: criteria provided, single submitter. Criteria: ICSL Variant Classification Criteria 13 December 2019. Collection method: clinical testing. Allele origin: germline.

NM_021939.4(FKBP10):c.1613T>C (p.Met538Thr)

Gene: FKBP10 (FKBP prolyl isomerase 10; plus strand). Cytogenetic location: 17q21.2.
Variant type: single nucleotide variant.
Coding change: c.1613T>C on transcript NM_021939.4 (MANE Select); coding-DNA position 1613, T replaced by C.
Protein change: p.Met538Thr; replaces methionine 538 with threonine.
Molecular consequence: missense variant.
Genome position (GRCh38, 1-based): chr17:41,822,272, T>C. VCF-style: chr17-41822272-T-C. GRCh37 (hg19) VCF-style: chr17-39978524-T-C.
Other names: short protein forms M538T.
Identifiers: ClinVar variation 323194 (VCV000323194.9), dbSNP rs144237565, ClinGen allele CA8566708.
Genomic context (GRCh38, chr17:41,822,272, plus strand): 5'-CCCTGCCCCAGTTCTCCACCTTCATCAAGGCTCAAGTGAGTGAGGGCAAAGGACGCCTCA[T>C]GCCTGGGCAGGACCCTGAGAAAACCATAGGAGACATGTTCCAGAACCAGGACCGCAACCA-3'
Protein context (NP_068758.3, residues 528-548): AQVSEGKGRL[Met538Thr]PGQDPEKTIG